The following is an entry in ClinVar:

NM_018451.5(CPAP):c.389C>T (p.Ala130Val)

Gene: CPAP (centrosome assembly and centriole elongation protein; minus strand). Cytogenetic location: 13q12.13.
Variant type: single nucleotide variant.
Coding change: c.389C>T on transcript NM_018451.5 (MANE Select); coding-DNA position 389, C replaced by T.
Protein change: p.Ala130Val; replaces alanine 130 with valine.
Molecular consequence: missense variant. On other transcripts: non-coding transcript variant (2).
Genome position (GRCh38, 1-based): chr13:24,912,637, G>A on the plus strand (C>T on the coding strand, the complement: CPAP is on the minus strand). VCF-style: chr13-24912637-G-A. GRCh37 (hg19) VCF-style: chr13-25486775-G-A.
Other names: short protein forms A130V.
Identifiers: ClinVar variation 420931 (VCV000420931.3), dbSNP rs190803157, ClinGen allele CA6920029.
Genomic context (GRCh38, chr13:24,912,637, plus strand): 5'-TGTACCTGTTCAAGTTTTTTAAAAAGTGGGTCTTTATAAGCCCCTTCTTTGAATTCACTC[G>A]CAAGATCTGGGATGAAGTCATTTTTGTTTTCTTCCTGGTGTCCAGGAGCACTGTGACATG-3'
Protein context (NP_060921.3, residues 120-140): ENKNDFIPDL[Ala130Val]SEFKEGAYKD

ClinVar aggregate classification (germline): Uncertain significance (1 of 4 stars; one submission).

Allele frequency attached by ClinVar (database versions not stated): TOPMed 0.00002.
gnomAD v4.1: 29 of 1,613,448 alleles (0.0018%); highest among the groups gnomAD compares: South Asian, 0.0033%; no homozygotes.

Submission:

GeneDx
Classification: Uncertain significance. Last evaluated: 2024-05-13. Review status: criteria provided, single submitter. Criteria: GeneDx Variant Classification Process June 2021. Collection method: clinical testing. Allele origin: germline. Affected: yes.
Comment: Not observed at significant frequency in large population cohorts (gnomAD); In silico analysis supports that this missense variant has a deleterious effect on splicing; In silico analysis indicates that this missense variant does not alter protein structure/function; Has not been previously published as pathogenic or benign to our knowledge